The following is an entry in ClinVar:

ClinVar aggregate classification (germline): Likely pathogenic (1 of 4 stars; one submission).

Conditions:
Neurofibromatosis, type 1 (NF1). Also called: Peripheral type neurofibromatosis; VON RECKLINGHAUSEN DISEASE; NEUROFIBROMATOSIS, TYPE I, SOMATIC; Neurofibromatosis, type I. Identifiers: Orphanet 636, MedGen C0027831, MONDO:0018975, OMIM 162200. Disease mechanism: loss of function.

Submission:

Labcorp Genetics (formerly Invitae), Labcorp
Classification: Likely pathogenic for Neurofibromatosis, type 1. Last evaluated: 2024-06-28. Review status: criteria provided, single submitter. Criteria: Invitae Variant Classification Sherloc (09022015). Collection method: clinical testing. Allele origin: germline.
Comment: This sequence change affects a splice site in intron 11 of the NF1 gene. It is expected to disrupt RNA splicing. Variants that disrupt the donor or acceptor splice site typically lead to a loss of protein function (PMID: 16199547), and loss-of-function variants in NF1 are known to be pathogenic (PMID: 10712197, 23913538). This variant is not present in population databases (gnomAD no frequency). This variant has not been reported in the literature in individuals affected with NF1-related conditions. Algorithms developed to predict the effect of sequence changes on RNA splicing suggest that this variant may disrupt the consensus splice site. In summary, the currently available evidence indicates that the variant is pathogenic, but additional data are needed to prove that conclusively. Therefore, this variant has been classified as Likely Pathogenic.

Literature cited by the submitters: PubMed 16199547; PubMed 10712197; PubMed 23913538.

NM_001042492.3(NF1):c.1260+1_1260+2del

Gene: NF1 (neurofibromin 1; plus strand). Cytogenetic location: 17q11.2.
Variant type: Deletion.
Coding change: c.1260+1_1260+2del on transcript NM_001042492.3 (MANE Select); the canonical splice donor site of the intron after coding-DNA position 1260, 2 bases deleted (GT; older notation c.1260+1_1260+2delGT).
Molecular consequence: splice donor variant.
Genome position (GRCh38, 1-based): chr17:31,201,486-31,201,487, GT deleted; deleting any 2 consecutive bases within chr17:31,201,485-31,201,487 gives the same sequence; the c. name uses the placement nearest the transcript's 3' end. VCF-style (leftmost placement, unchanged base first): chr17-31201484-ATG-A. GRCh37 (hg19) VCF-style: chr17-29528502-ATG-A.
Other names: c.1260+1_1260+2del (NM_000267.4, NM_001128147.3).
Identifiers: ClinVar variation 3658089 (VCV003658089.2).
Genomic context (GRCh38, chr17:31,201,484, plus strand): 5'-AGAATTCACCTTCTACATTTCACTATGTGCTGGTAAATTCACTCCATCGAATCATCACCA[ATG>A]TAAGTCCAAAAGGTATTGCTAAATTACTAAAAAAATTTTTTTCTTTCTTTTCTTTGCGTA-3'